The following is an entry in ClinVar:

NM_006312.6(NCOR2):c.4552T>A (p.Ser1518Thr)

Gene: NCOR2 (nuclear receptor corepressor 2; minus strand). Cytogenetic location: 12q24.31.
Variant type: single nucleotide variant.
Coding change: c.4552T>A on transcript NM_006312.6 (MANE Select); coding-DNA position 4552, T replaced by A.
Protein change: p.Ser1518Thr; replaces serine 1518 with threonine.
Molecular consequence: missense variant.
Genome position (GRCh38, 1-based): chr12:124,344,759, A>T on the plus strand (T>A on the coding strand, the complement: NCOR2 is on the minus strand). VCF-style: chr12-124344759-A-T. GRCh37 (hg19) VCF-style: chr12-124829305-A-T.
Other names: c.4522T>A, p.Ser1508Thr (NM_001077261.4, NM_001206654.2); short protein forms S1508T, S1518T.
Identifiers: ClinVar variation 3038090 (VCV003038090.2), dbSNP rs75902515, ClinGen allele CA6868235.

ClinVar aggregate classification (germline): Benign (0 of 4 stars; one submission).

Conditions:
NCOR2-related disorder. Also called: NCOR2-related condition.

Allele frequency attached by ClinVar (database versions not stated): gnomAD exomes 0.00113; ExAC 0.00399; ESP Exome Variant Server 0.00661; gnomAD 0.00791; TOPMed 0.00843; 1000 Genomes Project 30x 0.01093; 1000 Genomes Project 0.01118.
gnomAD v4.1: 2,870 of 1,548,976 alleles (0.19%); highest among the groups gnomAD compares: African/African-American, 2.6%; 34 homozygotes.

Submission:

PreventionGenetics, part of Exact Sciences
Classification: Benign for NCOR2-related condition. Last evaluated: 2019-02-27. Review status: no assertion criteria provided. Collection method: clinical testing. Allele origin: germline.
Comment: This variant is classified as benign based on ACMG/AMP sequence variant interpretation guidelines (Richards et al. 2015 PMID: 25741868, with internal and published modifications).